The following is an entry in ClinVar:

NM_199420.4(POLQ):c.5013A>T (p.Lys1671Asn)

Gene: POLQ (DNA polymerase theta; minus strand). Cytogenetic location: 3q13.33.
Variant type: single nucleotide variant.
Coding change: c.5013A>T on transcript NM_199420.4 (MANE Select); coding-DNA position 5013, A replaced by T.
Protein change: p.Lys1671Asn; replaces lysine 1671 with asparagine.
Molecular consequence: missense variant.
Genome position (GRCh38, 1-based): chr3:121,487,918, T>A on the plus strand (A>T on the coding strand, the complement: POLQ is on the minus strand). VCF-style: chr3-121487918-T-A. GRCh37 (hg19) VCF-style: chr3-121206765-T-A.
Other names: short protein forms K1671N.
Identifiers: ClinVar variation 2449021 (VCV002449021.2), dbSNP rs2546785248, ClinGen allele CA354092428.

ClinVar aggregate classification (germline): Uncertain significance (1 of 4 stars; one submission).

Submission:

Ambry Genetics
Classification: Uncertain significance. Last evaluated: 2023-02-19. Review status: criteria provided, single submitter. Criteria: Ambry Variant Classification Scheme 2023. Collection method: clinical testing. Allele origin: germline.
Comment: The p.K1671N variant (also known as c.5013A>T), located in coding exon 16 of the POLQ gene, results from an A to T substitution at nucleotide position 5013. The lysine at codon 1671 is replaced by asparagine, an amino acid with similar properties. This amino acid position is conserved. In addition, this alteration is predicted to be tolerated by in silico analysis. Since supporting evidence is limited at this time, the clinical significance of this alteration remains unclear.